The following is an entry in ClinVar:

NM_001277115.2(DNAH11):c.170C>G (p.Ala57Gly)

Gene: DNAH11 (dynein axonemal heavy chain 11; plus strand). Cytogenetic location: 7p15.3.
Variant type: single nucleotide variant.
Coding change: c.170C>G on transcript NM_001277115.2 (MANE Select); coding-DNA position 170, C replaced by G.
Protein change: p.Ala57Gly; replaces alanine 57 with glycine.
Molecular consequence: missense variant.
Genome position (GRCh38, 1-based): chr7:21,543,415, C>G. VCF-style: chr7-21543415-C-G. GRCh37 (hg19) VCF-style: chr7-21583033-C-G.
Other names: c.170C>G, p.Ala57Gly (NM_003777.3); short protein forms A57G.
Identifiers: ClinVar variation 1778525 (VCV001778525.2), dbSNP rs2534409960, ClinGen allele CA366931291.

ClinVar aggregate classification (germline): Uncertain significance (1 of 4 stars; one submission).

Conditions:
Primary ciliary dyskinesia. Also called: Ciliary dyskinesia. Identifiers: Orphanet 244, MedGen C0008780, MONDO:0016575, HP:0012265.

Submission:

Ambry Genetics
Classification: Uncertain significance for Primary ciliary dyskinesia. Last evaluated: 2019-04-14. Review status: criteria provided, single submitter. Criteria: Ambry Variant Classification Scheme 2023. Collection method: clinical testing. Allele origin: germline.
Comment: The p.A57G variant (also known as c.170C>G), located in coding exon 1 of the DNAH11 gene, results from a C to G substitution at nucleotide position 170. The alanine at codon 57 is replaced by glycine, an amino acid with similar properties. This amino acid position is poorly conserved in available vertebrate species. In addition, this alteration is predicted to be tolerated by in silico analysis. Since supporting evidence is limited at this time, the clinical significance of this alteration remains unclear.